The following is an entry in ClinVar:

ClinVar aggregate classification (germline): Uncertain significance. Review status: criteria provided, multiple submitters, no conflicts (2 of 4 stars). 2 submissions from 2 submitters: Uncertain significance (2). Last evaluated 2023-08-15.

Conditions:
Cone-rod dystrophy 19 (CORD19). Identifiers: Orphanet 1872, MedGen C4014501, MONDO:0014372, OMIM 615860.

gnomAD v4.1: 20 of 1,613,484 alleles (0.0012%); highest among the groups gnomAD compares: East Asian, 0.0089%; no homozygotes.

Submissions (2):

Blueprint Genetics
Classification: Uncertain significance. Last evaluated: 2023-08-15. Review status: criteria provided, single submitter. Criteria: ACMG Guidelines, 2015. Collection method: clinical testing. Allele origin: germline.

Juno Genomics, Hangzhou Juno Genomics, Inc
Classification: Uncertain significance for Cone-rod dystrophy 19. Review status: criteria provided, single submitter. Criteria: ACMG Guidelines, 2015. Collection method: clinical testing. Allele origin: germline.
Comment: Absent from controls (or at extremely low frequency if recessive) in Genome Aggregation Database.;For recessive disorders, detected in trans with a pathogenic variant.

NM_015072.5(TTLL5):c.1450C>T (p.Arg484Cys)

Gene: TTLL5 (tubulin tyrosine ligase like 5; plus strand). Cytogenetic location: 14q24.3.
Variant type: single nucleotide variant.
Coding change: c.1450C>T on transcript NM_015072.5 (MANE Select); coding-DNA position 1450, C replaced by T.
Protein change: p.Arg484Cys; replaces arginine 484 with cysteine.
Molecular consequence: missense variant.
Genome position (GRCh38, 1-based): chr14:75,745,544, C>T. VCF-style: chr14-75745544-C-T. GRCh37 (hg19) VCF-style: chr14-76211887-C-T.
Other names: short protein forms R484C.
Identifiers: ClinVar variation 4922441 (VCV004922441.3).